The following is an entry in ClinVar:

NM_001611.5(ACP5):c.710_718del (p.Leu237_Gly239del)

Gene: ACP5 (acid phosphatase 5, tartrate resistant; minus strand). Cytogenetic location: 19p13.2.
Variant type: Deletion.
Coding change: c.710_718del on transcript NM_001611.5 (MANE Select); coding-DNA positions 710 to 718, 9 bases deleted (TGTGCGGCC; older notation c.710_718delTGTGCGGCC).
Protein change: p.Leu237_Gly239del.
Molecular consequence: inframe deletion.
Genome position (GRCh38, 1-based): chr19:11,576,260-11,576,268, GGCCGCACA deleted on the plus strand (TGTGCGGCC on the coding strand, the reverse complement: ACP5 is on the minus strand); deleting any 9 consecutive bases within chr19:11,576,260-11,576,270 gives the same sequence; the c. name uses the placement nearest the transcript's 3' end. VCF-style (leftmost placement, unchanged base first): chr19-11576259-TGGCCGCACA-T. GRCh37 (hg19) VCF-style: chr19-11687074-TGGCCGCACA-T.
Other names: c.710_718del, p.Leu237_Gly239del (NM_001111034.3, NM_001111035.3, NM_001111036.3 and 1 more transcripts).
Identifiers: ClinVar variation 2417776 (VCV002417776.5), dbSNP rs1318417167, ClinGen allele CA783294777.

ClinVar aggregate classification (germline): Pathogenic (1 of 4 stars; one submission).

Conditions:
Spondyloenchondrodysplasia with immune dysregulation (SPENCDI). Also called: ROIFMAN IMMUNOSKELETAL SYNDROME; COMBINED IMMUNODEFICIENCY WITH AUTOIMMUNITY AND SPONDYLOMETAPHYSEAL DYSPLASIA; SPONDYLOENCHONDRODYSPLASIA WITH OR WITHOUT IMMUNE DYSREGULATION. Identifiers: Orphanet 1855, MedGen C1842763, MONDO:0011939, OMIM 607944.

Submission:

Labcorp Genetics (formerly Invitae), Labcorp
Classification: Pathogenic for Spondyloenchondrodysplasia with immune dysregulation. Last evaluated: 2024-01-08. Review status: criteria provided, single submitter. Criteria: Invitae Variant Classification Sherloc (09022015). Collection method: clinical testing. Allele origin: germline.
Comment: This variant, c.710_718del, results in the deletion of 3 amino acid(s) of the ACP5 protein (p.Leu237_Gly239del), but otherwise preserves the integrity of the reading frame. This variant is not present in population databases (gnomAD no frequency). This variant has not been reported in the literature in individuals affected with ACP5-related conditions. ClinVar contains an entry for this variant (Variation ID: 2417776). This variant disrupts a region of the ACP5 protein in which other variant(s) (p.Cys238Arg) have been determined to be pathogenic (PMID: 26951490). This suggests that this is a clinically significant region of the protein, and that variants that disrupt it are likely to be disease-causing. For these reasons, this variant has been classified as Pathogenic.

Literature cited by the submitters: PubMed 26951490.